The following is an entry in ClinVar:

ClinVar aggregate classification (germline): Benign/Likely benign. Review status: criteria provided, multiple submitters, no conflicts (2 of 4 stars). 6 submissions from 6 submitters: Benign (1); Likely benign (5). Last evaluated 2026-07-01.

Conditions:
Inborn genetic diseases. Identifiers: MedGen C0950123, MeSH D030342.
KBG syndrome (KBGS). Also called: ANKRD11-Related KBG Syndrome. Identifiers: Orphanet 2332, MedGen C0220687, MONDO:0007846, OMIM 148050.

Allele frequency attached by ClinVar (database versions not stated): ESP Exome Variant Server 0.00008.
gnomAD v4.1: 117 of 1,614,046 alleles (0.0072%); highest among the groups gnomAD compares: Admixed American, 0.04%; 1 homozygote.

Submissions (6):

CeGaT Center for Human Genetics Tuebingen
Classification: Likely benign. Last evaluated: 2026-07-01. Review status: criteria provided, single submitter. Criteria: CeGaT Center For Human Genetics Tuebingen Variant Classification Criteria Version 2. Collection method: clinical testing. Allele origin: germline. Affected: yes. Observed: 1 variant allele.
Comment: ANKRD11: BP4, BP7

Women's Health and Genetics/Laboratory Corporation of America, LabCorp
Classification: Benign. Last evaluated: 2026-06-10. Review status: criteria provided, single submitter. Criteria: LabCorp Variant Classification Summary - May 2015. Collection method: clinical testing. Allele origin: germline.

Labcorp Genetics (formerly Invitae), Labcorp
Classification: Likely benign for KBG syndrome. Last evaluated: 2026-01-27. Review status: criteria provided, single submitter. Criteria: Invitae Variant Classification Sherloc (09022015). Collection method: clinical testing. Allele origin: germline.

Blueprint Genetics
Classification: Likely benign. Last evaluated: 2023-10-04. Review status: criteria provided, single submitter. Criteria: ACMG Guidelines, 2015. Collection method: clinical testing. Allele origin: germline.

GeneDx
Classification: Likely benign. Last evaluated: 2020-07-20. Review status: criteria provided, single submitter. Criteria: GeneDx Variant Classification Process June 2021. Collection method: clinical testing. Allele origin: germline. Affected: yes.

Ambry Genetics
Classification: Likely benign for Inborn genetic diseases. Last evaluated: 2018-03-02. Review status: criteria provided, single submitter. Criteria: Ambry Variant Classification Scheme 2023. Collection method: clinical testing. Allele origin: germline.

NM_013275.6(ANKRD11):c.4929G>A (p.Pro1643=)

Gene: ANKRD11 (ankyrin repeat domain 11; minus strand). Cytogenetic location: 16q24.3.
Variant type: single nucleotide variant.
Coding change: c.4929G>A on transcript NM_013275.6 (MANE Select); coding-DNA position 4929, G replaced by A.
Protein change: p.Pro1643=; no amino-acid change (proline 1643 retained).
Molecular consequence: synonymous variant.
Genome position (GRCh38, 1-based): chr16:89,281,613, C>T on the plus strand (G>A on the coding strand, the complement: ANKRD11 is on the minus strand). VCF-style: chr16-89281613-C-T. GRCh37 (hg19) VCF-style: chr16-89348021-C-T.
Other names: c.4929G>A, p.Pro1643= (NM_001256182.2, NM_001256183.2).
Identifiers: ClinVar variation 1198023 (VCV001198023.10), dbSNP rs142939070, ClinGen allele CA8242011.